The following is an entry in ClinVar:

ClinVar aggregate classification (germline): Uncertain significance (1 of 4 stars; one submission).

Allele frequency attached by ClinVar (database versions not stated): ExAC 0.00001.
gnomAD v4.1: 1 of 1,613,928 alleles (0.000062%); no homozygotes.

Submission:

Labcorp Genetics (formerly Invitae), Labcorp
Classification: Uncertain significance. Last evaluated: 2022-09-27. Review status: criteria provided, single submitter. Criteria: Invitae Variant Classification Sherloc (09022015). Collection method: clinical testing. Allele origin: germline.
Comment: This sequence change replaces threonine, which is neutral and polar, with arginine, which is basic and polar, at codon 37 of the PIGY protein (p.Thr37Arg). In summary, the available evidence is currently insufficient to determine the role of this variant in disease. Therefore, it has been classified as a Variant of Uncertain Significance. Algorithms developed to predict the effect of missense changes on protein structure and function are either unavailable or do not agree on the potential impact of this missense change (SIFT: "Deleterious"; PolyPhen-2: "Benign"; Align-GVGD: "Class C15"). ClinVar contains an entry for this variant (Variation ID: 1478406). This variant has not been reported in the literature in individuals affected with PIGY-related conditions. This variant is present in population databases (rs765959502, gnomAD no frequency).

NM_001042616.3(PIGY):c.110C>G (p.Thr37Arg)

Genes: PIGY (phosphatidylinositol glycan anchor biosynthesis class Y; minus strand), PYURF (PIGY upstream open reading frame; minus strand). Cytogenetic location: 4q22.1.
Variant type: single nucleotide variant.
Coding change: c.110C>G on transcript NM_001042616.3 (MANE Select); coding-DNA position 110, C replaced by G.
Protein change: p.Thr37Arg; replaces threonine 37 with arginine.
Molecular consequence: missense variant. On other transcripts: 3 prime UTR variant (1).
Genome position (GRCh38, 1-based): chr4:88,521,680, G>C on the plus strand (C>G on the coding strand, the complement: PIGY is on the minus strand). VCF-style: chr4-88521680-G-C. GRCh37 (hg19) VCF-style: chr4-89442831-G-C.
Other names: c.*208C>G (NM_032906.5); short protein forms T37R.
Identifiers: ClinVar variation 1478406 (VCV001478406.6), dbSNP rs765959502, ClinGen allele CA3007125.